The following is an entry in ClinVar:

NM_000257.4(MYH7):c.4454A>G (p.Lys1485Arg)

Genes: MHRT (myosin heavy chain associated RNA transcript; plus strand), MYH7 (myosin heavy chain 7; minus strand). Cytogenetic location: 14q11.2.
Variant type: single nucleotide variant.
Coding change: c.4454A>G on transcript NM_000257.4 (MANE Select); coding-DNA position 4454, A replaced by G.
Protein change: p.Lys1485Arg; replaces lysine 1485 with arginine.
Molecular consequence: missense variant. On other transcripts: non-coding transcript variant (1).
Genome position (GRCh38, 1-based): chr14:23,417,218, T>C on the plus strand (A>G on the coding strand, the complement: MYH7 is on the minus strand). VCF-style: chr14-23417218-T-C. GRCh37 (hg19) VCF-style: chr14-23886427-T-C.
Other names: c.4454A>G (LRG_384t1); short protein forms K1485R.
Identifiers: ClinVar variation 626813 (VCV000626813.4), dbSNP rs1566525134, ClinGen allele CA389038379.
Genomic context (GRCh38, chr14:23,417,218, plus strand): 5'-AGGTTTTTGTTCTCCCGCTTGAAGGTCTCCAGATGTTCCAGGGACTCCTCATAGGCGTTC[T>C]TGAGTTTGAAGAGCTCTGTGCTGAGGGAGCGAGCCTCCTTCTGCGAGGACTCCAGCTCCG-3'
Protein context (NP_000248.2, residues 1475-1495): RSLSTELFKL[Lys1485Arg]NAYEESLEHL

ClinVar aggregate classification (germline): Uncertain significance. Review status: criteria provided, multiple submitters, no conflicts (2 of 4 stars). 2 submissions from 2 submitters: Uncertain significance (2). Last evaluated 2025-09-05.

Conditions:
Cardiomyopathy (CMYO). Also called: Cardiomyopathies. Identifiers: Orphanet 167848, MedGen C0878544, MONDO:0004994, HP:0001638. Inheritance: Various modes of inheritance.
Hypertrophic cardiomyopathy. Also called: HYPERTROPHIC MYOCARDIOPATHY. Identifiers: Orphanet 217569, MedGen C0007194, MeSH D002312, MONDO:0005045, HP:0001639.

Allele frequency attached by ClinVar (database versions not stated): gnomAD exomes below 0.00001.
gnomAD v4.1: 4 of 1,614,220 alleles (0.00025%); highest among the groups gnomAD compares: South Asian, 0.0011%; no homozygotes.

Submissions (2):

Labcorp Genetics (formerly Invitae), Labcorp
Classification: Uncertain significance for Hypertrophic cardiomyopathy. Last evaluated: 2025-09-05. Review status: criteria provided, single submitter. Criteria: Invitae Variant Classification Sherloc (09022015). Collection method: clinical testing. Allele origin: germline.
Comment: This sequence change replaces lysine, which is basic and polar, with arginine, which is basic and polar, at codon 1485 of the MYH7 protein (p.Lys1485Arg). This variant is not present in population databases (gnomAD no frequency). This missense change has been observed in individual(s) with hypertrophic cardiomyopathy (PMID: 33586461). ClinVar contains an entry for this variant (Variation ID: 626813). Invitae Evidence Modeling of protein sequence and biophysical properties (such as structural, functional, and spatial information, amino acid conservation, physicochemical variation, residue mobility, and thermodynamic stability) has been performed for this missense variant. However, the output from this modeling did not meet the statistical confidence thresholds required to predict the impact of this variant on MYH7 protein function. In summary, the available evidence is currently insufficient to determine the role of this variant in disease. Therefore, it has been classified as a Variant of Uncertain Significance.

CHEO Genetics Diagnostic Laboratory, Children's Hospital of Eastern Ontario
Classification: Uncertain significance for Cardiomyopathy. Last evaluated: 2016-08-26. Review status: criteria provided, single submitter. Criteria: ACMG Guidelines, 2015. Collection method: clinical testing. Allele origin: germline. Study: Canadian Open Genetics Repository.

Literature cited by the submitters: PubMed 33586461 (cited by Labcorp Genetics (formerly Invitae), Labcorp).